The following is an entry in ClinVar:

ClinVar aggregate classification (germline): Uncertain significance (1 of 4 stars; one submission).

Conditions:
Deficiency of 3-hydroxyacyl-CoA dehydrogenase. Also called: 3-hydroxyacyl-CoA dehydrogenase deficiency; HADH DEFICIENCY. Identifiers: Orphanet 309127, Orphanet 71212, MedGen C1291230, MONDO:0017715, OMIM 231530.

gnomAD v4.1: 1 of 1,610,842 alleles (0.000062%); highest among the groups gnomAD compares: Non-Finnish European, 0.000085%; no homozygotes.

Submission:

Labcorp Genetics (formerly Invitae), Labcorp
Classification: Uncertain significance for Deficiency of 3-hydroxyacyl-CoA dehydrogenase. Last evaluated: 2021-11-12. Review status: criteria provided, single submitter. Criteria: Invitae Variant Classification Sherloc (09022015). Collection method: clinical testing. Allele origin: germline.
Comment: This sequence change replaces glycine, which is neutral and non-polar, with arginine, which is basic and polar, at codon 36 of the HADH protein (p.Gly36Arg). This variant is not present in population databases (gnomAD no frequency). This variant has not been reported in the literature in individuals affected with HADH-related conditions. Algorithms developed to predict the effect of missense changes on protein structure and function (SIFT, PolyPhen-2, Align-GVGD) all suggest that this variant is likely to be disruptive. In summary, the available evidence is currently insufficient to determine the role of this variant in disease. Therefore, it has been classified as a Variant of Uncertain Significance.

NM_005327.7(HADH):c.106G>C (p.Gly36Arg)

Gene: HADH (hydroxyacyl-CoA dehydrogenase; plus strand). Cytogenetic location: 4q25.
Variant type: single nucleotide variant.
Coding change: c.106G>C on transcript NM_005327.7 (MANE Select); coding-DNA position 106, G replaced by C.
Protein change: p.Gly36Arg; replaces glycine 36 with arginine.
Molecular consequence: missense variant.
Genome position (GRCh38, 1-based): chr4:107,990,038, G>C. VCF-style: chr4-107990038-G-C. GRCh37 (hg19) VCF-style: chr4-108911194-G-C.
Other names: c.106G>C, p.Gly36Arg (NM_001184705.4); short protein forms G36R.
Identifiers: ClinVar variation 1386410 (VCV001386410.6), dbSNP rs994692222, ClinGen allele CA357828961.
Genomic context (GRCh38, chr4:107,990,038, plus strand): 5'-TCCACCGCCTCGGCCTCGGCCAAGAAGATAATCGTCAAGCACGTGACGGTCATCGGCGGC[G>C]GGCTGATGGGCGCCGGCATTGCCCAGGTGAGCGGCCCTCCCTGCAGCGTGCCCACGCGCT-3'
Protein context (NP_005318.6, residues 26-46): IVKHVTVIGG[Gly36Arg]LMGAGIAQVA